The following is an entry in ClinVar:

ClinVar aggregate classification (germline): Uncertain significance. Review status: criteria provided, multiple submitters, no conflicts (2 of 4 stars). 2 submissions from 2 submitters: Uncertain significance (2). Last evaluated 2025-12-15.

Conditions:
Deafness-lymphedema-leukemia syndrome. Also called: Lymphedema, primary, with myelodysplasia; Emberger syndrome. Identifiers: Orphanet 3226, MedGen C3279664, MONDO:0013540, OMIM 614038.
Monocytopenia with susceptibility to infections. Also called: IMMUNODEFICIENCY 21; GATA2 DEFICIENCY; MONOCYTOPENIA WITH SUSCEPTIBILITY TO MYCOBACTERIAL, FUNGAL, AND PAPILLOMAVIRUS INFECTIONS AND MYELODYSPLASIA; COMBINED IMMUNODEFICIENCY WITH SUSCEPTIBILITY TO MYCOBACTERIAL, VIRAL, AND FUNGAL INFECTIONS; MONOCYTOPENIA AND MYCOBACTERIAL INFECTION SYNDROME; Dendritic cell, monocyte, B lymphocyte, and natural killer lymphocyte deficiency. Identifiers: Orphanet 228423, MedGen C3280030, MONDO:0013607, OMIM 614172.
Inborn genetic diseases. Identifiers: MedGen C0950123, MeSH D030342.

Submissions (2):

Ambry Genetics
Classification: Uncertain significance for Inborn genetic diseases. Last evaluated: 2025-12-15. Review status: criteria provided, single submitter. Criteria: Ambry Variant Classification Scheme 2023. Collection method: clinical testing. Allele origin: germline.
Comment: The p.F414L variant (also known as c.1242C>G), located in coding exon 5 of the GATA2 gene, results from a C to G substitution at nucleotide position 1242. The phenylalanine at codon 414 is replaced by leucine, an amino acid with highly similar properties. This amino acid position is well conserved in available vertebrate species. In addition, the in silico prediction for this alteration is inconclusive. Based on the available evidence, the clinical significance of this variant remains unclear.

Labcorp Genetics (formerly Invitae), Labcorp
Classification: Uncertain significance for Monocytopenia with susceptibility to infections; Deafness-lymphedema-leukemia syndrome. Last evaluated: 2022-10-21. Review status: criteria provided, single submitter. Criteria: Invitae Variant Classification Sherloc (09022015). Collection method: clinical testing. Allele origin: germline.
Comment: Advanced modeling of protein sequence and biophysical properties (such as structural, functional, and spatial information, amino acid conservation, physicochemical variation, residue mobility, and thermodynamic stability) performed at Invitae indicates that this missense variant is not expected to disrupt GATA2 protein function. This sequence change replaces phenylalanine, which is neutral and non-polar, with leucine, which is neutral and non-polar, at codon 414 of the GATA2 protein (p.Phe414Leu). This variant is present in population databases (rs751577185, gnomAD 0.0009%). This variant has not been reported in the literature in individuals affected with GATA2-related conditions. ClinVar contains an entry for this variant (Variation ID: 656470). In summary, the available evidence is currently insufficient to determine the role of this variant in disease. Therefore, it has been classified as a Variant of Uncertain Significance.

NM_032638.5(GATA2):c.1242C>G (p.Phe414Leu)

Gene: GATA2 (GATA binding protein 2; minus strand). Cytogenetic location: 3q21.3.
Variant type: single nucleotide variant.
Coding change: c.1242C>G on transcript NM_032638.5 (MANE Select); coding-DNA position 1242, C replaced by G.
Protein change: p.Phe414Leu; replaces phenylalanine 414 with leucine.
Molecular consequence: missense variant.
Genome position (GRCh38, 1-based): chr3:128,481,220, G>C on the plus strand (C>G on the coding strand, the complement: GATA2 is on the minus strand). VCF-style: chr3-128481220-G-C. GRCh37 (hg19) VCF-style: chr3-128200063-G-C.
Other names: c.1242C>G, p.Phe414Leu (NM_001145661.2); c.1200C>G, p.Phe400Leu (NM_001145662.1); short protein forms F400L, F414L.
Identifiers: ClinVar variation 656470 (VCV000656470.11), dbSNP rs751577185, ClinGen allele CA2599814.